The following is an entry in ClinVar:

NM_015100.4(POGZ):c.3784C>T (p.Gln1262Ter)

Gene: POGZ (pogo transposable element derived with ZNF domain; minus strand). Cytogenetic location: 1q21.3.
Variant type: single nucleotide variant.
Coding change: c.3784C>T on transcript NM_015100.4 (MANE Select); coding-DNA position 3784, C replaced by T.
Protein change: p.Gln1262Ter; replaces glutamine 1262 with a stop codon.
Molecular consequence: nonsense.
Genome position (GRCh38, 1-based): chr1:151,405,251, G>A on the plus strand (C>T on the coding strand, the complement: POGZ is on the minus strand). VCF-style: chr1-151405251-G-A. GRCh37 (hg19) VCF-style: chr1-151377727-G-A.
Other names: c.3757C>T, p.Gln1253Ter (NM_001194937.2); c.3598C>T, p.Gln1200Ter (NM_001194938.2); c.3805C>T, p.Gln1269Ter (NM_001410860.1); c.3499C>T, p.Gln1167Ter (NM_145796.4); c.3625C>T, p.Gln1209Ter (NM_207171.2); short protein forms Q1167*, Q1200*, Q1209*, Q1253*, Q1262*, Q1269*.
Identifiers: ClinVar variation 4856931 (VCV004856931.2).

ClinVar aggregate classification (germline): Likely pathogenic (1 of 4 stars; one submission).

Submission:

Dasa
Classification: Likely pathogenic. Last evaluated: 2025-06-23. Review status: criteria provided, single submitter. Criteria: DASA Assertion Criteria. Collection method: clinical testing. Allele origin: germline.
Comment: NM_015100.4(POGZ):c.3784C>T (p.Gln1262*) is a nonsense variant in POGZ predicted to introduce a premature termination codon and is predicted to result in an absent or altered protein product. Loss of function is an established disease mechanism for POGZ (PMID: 27148570; PMID: 26942287; PMID: 26739615). Also, this variant is rare in population databases. Based on the currently available evidence, this variant is classified as likely pathogenic.

Literature cited by the submitters: PubMed 27148570; PubMed 26942287; PubMed 26739615.